The following is an entry in ClinVar:

ClinVar aggregate classification (germline): Likely benign (1 of 4 stars; one submission).

Submission:

CeGaT Center for Human Genetics Tuebingen
Classification: Likely benign. Last evaluated: 2026-01-01. Review status: criteria provided, single submitter. Criteria: CeGaT Center For Human Genetics Tuebingen Variant Classification Criteria Version 2. Collection method: clinical testing. Allele origin: germline. Affected: yes. Observed: 2 variant alleles.
Comment: ZNF276: BP4, BP7

NM_001113525.2(ZNF276):c.1833C>T (p.Pro611=)

Genes: FANCA (FA complementation group A; minus strand), ZNF276 (zinc finger protein 276; plus strand). Cytogenetic location: 16q24.3.
Variant type: single nucleotide variant.
Coding change: c.1833C>T on transcript NM_001113525.2 (MANE Select); coding-DNA position 1833, C replaced by T.
Protein change: p.Pro611=; no amino-acid change (proline 611 retained).
Molecular consequence: synonymous variant. On other transcripts: 3 prime UTR variant (2), non-coding transcript variant (4).
Genome position (GRCh38, 1-based): chr16:89,738,234, C>T. VCF-style: chr16-89738234-C-T. GRCh37 (hg19) VCF-style: chr16-89804642-C-T.
Other names: c.*367G>A (NM_000135.4); c.*464G>A (NM_001286167.3); c.1608C>T, p.Pro536= (NM_152287.4).
Identifiers: ClinVar variation 3388676 (VCV003388676.14).